The following is an entry in ClinVar:

ClinVar aggregate classification (germline): Likely pathogenic. Review status: criteria provided, single submitter (1 of 4 stars). 2 submissions from 2 submitters: Likely pathogenic (1). 1 of the submissions does not count toward it. Last evaluated 2024-02-20.

Conditions:
POR-related disorder. Also called: POR-related condition.
Congenital adrenal hyperplasia due to cytochrome P450 oxidoreductase deficiency. Also called: DISORDERED STEROIDOGENESIS DUE TO POR DEFICIENCY. Identifiers: Orphanet 95699, MedGen C1860042, MONDO:0013310, OMIM 613571.

Allele frequency attached by ClinVar (database versions not stated): gnomAD exomes below 0.00001; TOPMed below 0.00001; gnomAD 0.00001; ESP Exome Variant Server 0.00008.
gnomAD v4.1: 2 of 1,550,450 alleles (0.00013%); highest among the groups gnomAD compares: Non-Finnish European, 0.00017%; no homozygotes.

Submissions (2):

Labcorp Genetics (formerly Invitae), Labcorp
Classification: Likely pathogenic for Congenital adrenal hyperplasia due to cytochrome P450 oxidoreductase deficiency. Last evaluated: 2024-02-20. Review status: criteria provided, single submitter. Criteria: Invitae Variant Classification Sherloc (09022015). Collection method: clinical testing. Allele origin: germline.
Comment: This sequence change affects a donor splice site in intron 13 of the POR gene. It is expected to disrupt RNA splicing. Variants that disrupt the donor or acceptor splice site typically lead to a loss of protein function (PMID: 16199547), and loss-of-function variants in POR are known to be pathogenic (PMID: 14758361, 20732302, 21741353). This variant is not present in population databases (gnomAD no frequency). This variant has not been reported in the literature in individuals affected with POR-related conditions. Algorithms developed to predict the effect of sequence changes on RNA splicing suggest that this variant may disrupt the consensus splice site. In summary, the currently available evidence indicates that the variant is pathogenic, but additional data are needed to prove that conclusively. Therefore, this variant has been classified as Likely Pathogenic.

PreventionGenetics, part of Exact Sciences
Classification: Likely pathogenic for POR-related condition. Last evaluated: 2024-02-29. Review status: no assertion criteria provided. Collection method: clinical testing. Allele origin: germline. Not counted in ClinVar's aggregate classification.
Comment: The POR c.1669+1G>A variant is predicted to disrupt the GT donor site and interfere with normal splicing. To our knowledge, this variant has not been reported in the literature or in a large population database, indicating this variant is rare. Variants that disrupt the consensus splice donor site in POR are expected to be pathogenic. This variant is interpreted as likely pathogenic.

Literature cited by the submitters: PubMed 16199547 (cited by Labcorp Genetics (formerly Invitae), Labcorp); PubMed 14758361 (cited by Labcorp Genetics (formerly Invitae), Labcorp); PubMed 20732302 (cited by Labcorp Genetics (formerly Invitae), Labcorp); PubMed 21741353 (cited by Labcorp Genetics (formerly Invitae), Labcorp).

NM_001395413.1(POR):c.1660+1G>A

Gene: POR (cytochrome p450 oxidoreductase; plus strand). Cytogenetic location: 7q11.23.
Variant type: single nucleotide variant.
Coding change: c.1660+1G>A on transcript NM_001395413.1 (MANE Select); the canonical splice donor site of the intron after coding-DNA position 1660, G replaced by A.
Molecular consequence: splice donor variant.
Genome position (GRCh38, 1-based): chr7:75,985,850, G>A. VCF-style: chr7-75985850-G-A. GRCh37 (hg19) VCF-style: chr7-75615168-G-A.
Other names: c.1669+1G>A (NM_000941.2); c.1510+1G>A (NM_001382662.3); c.1660+1G>A (NM_001382659.3, NM_001367562.3, NM_001382658.3 and 1 more transcripts); c.1714+1G>A (NM_001382655.3).
Identifiers: ClinVar variation 3061050 (VCV003061050.5), dbSNP rs377017180, ClinGen allele CA160909594.